The following is an entry in ClinVar:

ClinVar aggregate classification (germline): Uncertain significance (1 of 4 stars; one submission).

Conditions:
Propionic acidemia (PROP). Also called: GLYCINEMIA, KETOTIC; HYPERGLYCINEMIA WITH KETOACIDOSIS AND LEUKOPENIA; KETOTIC HYPERGLYCINEMIA. Identifiers: Orphanet 35, MedGen C0268579, MONDO:0011628, OMIM 606054, HP:0003571.

Submission:

Labcorp Genetics (formerly Invitae), Labcorp
Classification: Uncertain significance for Propionic acidemia. Last evaluated: 2022-05-14. Review status: criteria provided, single submitter. Criteria: Invitae Variant Classification Sherloc (09022015). Collection method: clinical testing. Allele origin: germline.
Comment: In summary, the available evidence is currently insufficient to determine the role of this variant in disease. Therefore, it has been classified as a Variant of Uncertain Significance. Algorithms developed to predict the effect of missense changes on protein structure and function are either unavailable or do not agree on the potential impact of this missense change (SIFT: "Deleterious"; PolyPhen-2: "Benign"; Align-GVGD: "Class C25"). This variant has not been reported in the literature in individuals affected with PCCA-related conditions. This variant is not present in population databases (gnomAD no frequency). This sequence change replaces isoleucine, which is neutral and non-polar, with threonine, which is neutral and polar, at codon 499 of the PCCA protein (p.Ile499Thr).

NM_000282.4(PCCA):c.1496T>C (p.Ile499Thr)

Gene: PCCA (propionyl-CoA carboxylase subunit alpha; plus strand). Cytogenetic location: 13q32.3.
Variant type: single nucleotide variant.
Coding change: c.1496T>C on transcript NM_000282.4 (MANE Select); coding-DNA position 1496, T replaced by C.
Protein change: p.Ile499Thr; replaces isoleucine 499 with threonine.
Molecular consequence: missense variant. On other transcripts: non-coding transcript variant (5).
Genome position (GRCh38, 1-based): chr13:100,330,627, T>C. VCF-style: chr13-100330627-T-C. GRCh37 (hg19) VCF-style: chr13-100982881-T-C.
Other names: c.1418T>C, p.Ile473Thr (NM_001127692.3, NM_001352607.2); c.1496T>C, p.Ile499Thr (NM_001178004.2, NM_001352605.2, NM_001352609.2); c.1352T>C, p.Ile451Thr (NM_001352606.2); c.1274T>C, p.Ile425Thr (NM_001352608.2); c.551T>C, p.Ile184Thr (NM_001352610.2, NM_001352611.2); c.407T>C, p.Ile136Thr (NM_001352612.2); short protein forms I451T, I184T, I499T, I425T, I136T, I473T.
Identifiers: ClinVar variation 1994303 (VCV001994303.4), dbSNP rs2548249502, ClinGen allele CA388696183.
Genomic context (GRCh38, chr13:100,330,627, plus strand): 5'-CACATAATATTGCATTACTTCGAGAGGTGATAATCAACTCACGCTTTGTAAAAGGAGACA[T>C]CAGCACTAAATTTCTCTCCGATGTGTATCCTGATGGCTTCAAAGGTTTGTATGCATTAAA-3'
Protein context (NP_000273.2, residues 489-509): IINSRFVKGD[Ile499Thr]STKFLSDVYP